The following is an entry in ClinVar:

NM_000059.4(BRCA2):c.-43G>T

Genes: BRCA2 (BRCA2 DNA repair associated; plus strand), LOC106721785 (BRCA2 promoter/silencer region; plus strand). Cytogenetic location: 13q13.1.
Variant type: single nucleotide variant.
Coding change: c.-43G>T on transcript NM_000059.4 (MANE Select); 43 bases upstream of the start codon, G replaced by T.
Molecular consequence: 5 prime UTR variant.
Genome position (GRCh38, 1-based): chr13:32,315,664, G>T. VCF-style: chr13-32315664-G-T. GRCh37 (hg19) VCF-style: chr13-32889801-G-T.
Other names: c.-43G>T (NM_001406719.1, NM_001406720.1, NM_001406721.1); c.-306G>T (NM_001406722.1).
Identifiers: ClinVar variation 2127106 (VCV002127106.4), dbSNP rs2138695686, ClinGen allele CA2580086912.

ClinVar aggregate classification (germline): Uncertain significance (1 of 4 stars; one submission).

Conditions:
Hereditary breast ovarian cancer syndrome. Also called: Hereditary breast and ovarian cancer syndrome; BRCA1- and BRCA2-Associated Hereditary Breast and Ovarian Cancer; Hereditary breast and ovarian cancer syndrome (HBOC); Hereditary breast and/or ovarian cancer syndrome; Hereditary breast and ovarian cancer; Breast and ovarian cancer. Identifiers: Orphanet 145, MedGen C0677776, MeSH D061325, MONDO:0003582. Disease mechanism: loss of function.

Submission:

Labcorp Genetics (formerly Invitae), Labcorp
Classification: Uncertain significance for Hereditary breast ovarian cancer syndrome. Last evaluated: 2024-09-27. Review status: criteria provided, single submitter. Criteria: Invitae Variant Classification Sherloc (09022015). Collection method: clinical testing. Allele origin: germline.
Comment: This variant occurs in a non-coding region of the BRCA2 gene. It does not change the encoded amino acid sequence of the BRCA2 protein. This variant is not present in population databases (gnomAD no frequency). This variant has not been reported in the literature in individuals affected with BRCA2-related conditions. ClinVar contains an entry for this variant (Variation ID: 2127106). Experimental studies and prediction algorithms are not available or were not evaluated, and the functional significance of this variant is currently unknown. In summary, the available evidence is currently insufficient to determine the role of this variant in disease. Therefore, it has been classified as a Variant of Uncertain Significance.